The following is an entry in ClinVar:

NM_020166.5(MCCC1):c.1115A>C (p.Gln372Pro)

Gene: MCCC1 (methylcrotonyl-CoA carboxylase subunit 1; minus strand). Cytogenetic location: 3q27.1.
Variant type: single nucleotide variant.
Coding change: c.1115A>C on transcript NM_020166.5 (MANE Select); coding-DNA position 1115, A replaced by C.
Protein change: p.Gln372Pro; replaces glutamine 372 with proline.
Molecular consequence: missense variant. On other transcripts: non-coding transcript variant (2).
Genome position (GRCh38, 1-based): chr3:183,041,719, T>G on the plus strand (A>C on the coding strand, the complement: MCCC1 is on the minus strand). VCF-style: chr3-183041719-T-G. GRCh37 (hg19) VCF-style: chr3-182759507-T-G.
Other names: c.764A>C, p.Gln255Pro (NM_001293273.2); c.788A>C, p.Gln263Pro (NM_001363880.1); c.1115A>C (NM_020166.3); short protein forms Q372P, Q255P, Q263P.
Identifiers: ClinVar variation 855786 (VCV000855786.14), dbSNP rs755328329, ClinGen allele CA2718863.

ClinVar aggregate classification (germline): Conflicting classifications of pathogenicity. Review status: criteria provided, conflicting classifications (1 of 4 stars). 4 submissions from 4 submitters: Likely pathogenic (1); Uncertain significance (2). 1 of the submissions does not count toward it. Last evaluated 2026-04-02.

Conditions:
3-methylcrotonyl-CoA carboxylase 1 deficiency (MCC1D). Also called: MCCD TYPE 1; METHYLCROTONYLGLYCINURIA TYPE I; MCC 1 deficiency; 3 Alpha methylcrotonylglycinuria 1. Identifiers: Orphanet 6, MedGen CN028786, MONDO:0008861, OMIM 210200.
MCCC1-related disorder. Also called: MCCC1-related condition.

Allele frequency attached by ClinVar (database versions not stated): gnomAD exomes below 0.00001; TOPMed below 0.00001; ExAC 0.00001.
gnomAD v4.1: 3 of 1,614,106 alleles (0.00019%); highest among the groups gnomAD compares: Middle Eastern, 0.016%; no homozygotes.

Submissions (4):

GeneDx
Classification: Uncertain significance. Last evaluated: 2026-04-02. Review status: criteria provided, single submitter. Criteria: GeneDx Variant Classification Process June 2021. Collection method: clinical testing. Allele origin: germline.
Comment: Not observed at significant frequency in large population cohorts (gnomAD); In silico analysis supports that this missense variant has a deleterious effect on protein structure/function; This variant is associated with the following publications: (PMID: 27601257, 14680978, 22642865, 26566957)

Women's Health and Genetics/Laboratory Corporation of America, LabCorp
Classification: Uncertain significance. Last evaluated: 2025-06-26. Review status: criteria provided, single submitter. Criteria: LabCorp Variant Classification Summary - May 2015. Collection method: clinical testing. Allele origin: germline.
Comment: Variant summary: MCCC1 c.1115A>C (p.Gln372Pro) results in a non-conservative amino acid change in the encoded protein sequence. Algorithms developed to predict the effect of missense changes on protein structure and function all suggest that this variant is likely to be disruptive. The variant allele was found at a frequency of 4e-06 in 251426 control chromosomes. c.1115A>C has been observed in the presumed compound heterozygous state in multiple individual(s) affected with Methylcrotonyl-CoA Carboxylase Deficiency (example, Rips_2016, Labcorp Genetics (formerly Invitae)). These data indicate that the variant may be associated with disease. To our knowledge, no experimental evidence demonstrating an impact on protein function has been reported. The following publications have been ascertained in the context of this evaluation (PMID: 14680978, 26566957, 27601257, 22642865). ClinVar contains an entry for this variant (Variation ID: 855786). Based on the evidence outlined above, the variant was classified as VUS-possibly pathogenic.

Labcorp Genetics (formerly Invitae), Labcorp
Classification: Likely pathogenic for 3-methylcrotonyl-CoA carboxylase 1 deficiency. Last evaluated: 2024-07-25. Review status: criteria provided, single submitter. Criteria: Invitae Variant Classification Sherloc (09022015). Collection method: clinical testing. Allele origin: germline.
Comment: This sequence change replaces glutamine, which is neutral and polar, with proline, which is neutral and non-polar, at codon 372 of the MCCC1 protein (p.Gln372Pro). This variant is present in population databases (rs755328329, gnomAD 0.0009%). This missense change has been observed in individual(s) with 3-methylcrotonyl-CoA carboxylase deficiency (PMID: 14680978, 26566957; Invitae). In at least one individual the data is consistent with being in trans (on the opposite chromosome) from a pathogenic variant. ClinVar contains an entry for this variant (Variation ID: 855786). Advanced modeling of protein sequence and biophysical properties (such as structural, functional, and spatial information, amino acid conservation, physicochemical variation, residue mobility, and thermodynamic stability) has been performed at Invitae for this missense variant, however the output from this modeling did not meet the statistical confidence thresholds required to predict the impact of this variant on MCCC1 protein function. In summary, the currently available evidence indicates that the variant is pathogenic, but additional data are needed to prove that conclusively. Therefore, this variant has been classified as Likely Pathogenic.

PreventionGenetics, part of Exact Sciences
Classification: Uncertain significance for MCCC1-related condition. Last evaluated: 2024-01-22. Review status: no assertion criteria provided. Collection method: clinical testing. Allele origin: germline. Not counted in ClinVar's aggregate classification.
Comment: The MCCC1 c.1115A>C variant is predicted to result in the amino acid substitution p.Gln372Pro. This variant was reported in individuals with 3-methylcrotonyl-CoA carboxylase deficiency (Desviat et al. 2003. PubMed ID: 14680978; Rips et al. 2016. PubMed ID: 26566957). However, in one individual no second variant was identified (patient 16255 in Desviat et al. 2003. PubMed ID: 14680978) and one individual, who also harbored another pathogenic MCCC1 variant, was asymptomatic (M(B18) in Rips et al. 2016. PubMed ID: 26566957). This variant is reported in 0.00088% of alleles in individuals of European (Non-Finnish) descent in gnomAD. At this time, the clinical significance of this variant is uncertain due to the absence of conclusive functional and genetic evidence.

Literature cited by the submitters: PubMed 27601257 (cited by Women's Health and Genetics/Laboratory Corporation of America, LabCorp); PubMed 22642865 (cited by Women's Health and Genetics/Laboratory Corporation of America, LabCorp); PubMed 14680978 (cited by Women's Health and Genetics/Laboratory Corporation of America, LabCorp and Labcorp Genetics (formerly Invitae), Labcorp); PubMed 26566957 (cited by Women's Health and Genetics/Laboratory Corporation of America, LabCorp and Labcorp Genetics (formerly Invitae), Labcorp).